The following is an entry in ClinVar:

ClinVar aggregate classification (germline): Uncertain significance (1 of 4 stars; one submission).

Allele frequency attached by ClinVar (database versions not stated): ExAC 0.00001; gnomAD 0.00001; gnomAD exomes 0.00001.
gnomAD v4.1: 6 of 1,614,066 alleles (0.00037%); highest among the groups gnomAD compares: African/African-American, 0.0013%; no homozygotes.

Submission:

Labcorp Genetics (formerly Invitae), Labcorp
Classification: Uncertain significance. Last evaluated: 2022-07-06. Review status: criteria provided, single submitter. Criteria: Invitae Variant Classification Sherloc (09022015). Collection method: clinical testing. Allele origin: germline.
Comment: In summary, the available evidence is currently insufficient to determine the role of this variant in disease. Therefore, it has been classified as a Variant of Uncertain Significance. Algorithms developed to predict the effect of missense changes on protein structure and function output the following: SIFT: "Tolerated"; PolyPhen-2: "Benign"; Align-GVGD: "Class C0". The serine amino acid residue is found in multiple mammalian species, which suggests that this missense change does not adversely affect protein function. ClinVar contains an entry for this variant (Variation ID: 1489169). This variant has not been reported in the literature in individuals affected with POP1-related conditions. This variant is present in population databases (rs751972489, gnomAD 0.007%). This sequence change replaces glycine, which is neutral and non-polar, with serine, which is neutral and polar, at codon 834 of the POP1 protein (p.Gly834Ser).

NM_001145860.2(POP1):c.2500G>A (p.Gly834Ser)

Gene: POP1 (POP1 ribonuclease P/MRP subunit; plus strand). Cytogenetic location: 8q22.2.
Variant type: single nucleotide variant.
Coding change: c.2500G>A on transcript NM_001145860.2 (MANE Select); coding-DNA position 2500, G replaced by A.
Protein change: p.Gly834Ser; replaces glycine 834 with serine.
Molecular consequence: missense variant.
Genome position (GRCh38, 1-based): chr8:98,157,696, G>A. VCF-style: chr8-98157696-G-A. GRCh37 (hg19) VCF-style: chr8-99169924-G-A.
Other names: c.2500G>A, p.Gly834Ser (NM_001145861.2, NM_015029.3); short protein forms G834S.
Identifiers: ClinVar variation 1489169 (VCV001489169.8), dbSNP rs751972489, ClinGen allele CA4820861.